The following is an entry in ClinVar:

ClinVar aggregate classification (germline): Uncertain significance. Review status: criteria provided, multiple submitters, no conflicts (2 of 4 stars). 2 submissions from 2 submitters: Uncertain significance (2). Last evaluated 2025-09-09.

Conditions:
Ataxia-telangiectasia syndrome (AT). Also called: ATAXIA-TELANGIECTASIA, COMPLEMENTATION GROUP A; ATAXIA-TELANGIECTASIA, FRESNO VARIANT; LOUIS-BAR SYNDROME; Ataxia telangiectasia (A-T); Cerebello-oculocutaneous telangiectasia; Immunodeficiency with ataxia telangiectasia. Identifiers: Orphanet 100, MedGen C0004135, MONDO:0008840, OMIM 208900.
Hereditary cancer-predisposing syndrome. Also called: Tumor predisposition; Neoplastic Syndromes, Hereditary; Hereditary Cancer Syndrome; Hereditary neoplastic syndrome. Identifiers: Orphanet 140162, MedGen C0027672, MeSH D009386, MONDO:0015356.

Submissions (2):

Labcorp Genetics (formerly Invitae), Labcorp
Classification: Uncertain significance for Ataxia-telangiectasia syndrome. Last evaluated: 2025-09-09. Review status: criteria provided, single submitter. Criteria: Invitae Variant Classification Sherloc (09022015). Collection method: clinical testing. Allele origin: germline.
Comment: This sequence change replaces threonine, which is neutral and polar, with isoleucine, which is neutral and non-polar, at codon 1854 of the ATM protein (p.Thr1854Ile). This variant is not present in population databases (gnomAD no frequency). This variant has not been reported in the literature in individuals affected with ATM-related conditions. ClinVar contains an entry for this variant (Variation ID: 630084). Invitae Evidence Modeling of protein sequence and biophysical properties (such as structural, functional, and spatial information, amino acid conservation, physicochemical variation, residue mobility, and thermodynamic stability) indicates that this missense variant is not expected to disrupt ATM protein function with a negative predictive value of 95%. In summary, the available evidence is currently insufficient to determine the role of this variant in disease. Therefore, it has been classified as a Variant of Uncertain Significance.

Color Diagnostics, LLC DBA Color Health
Classification: Uncertain significance for Hereditary cancer-predisposing syndrome. Last evaluated: 2019-02-02. Review status: criteria provided, single submitter. Criteria: ACMG Guidelines, 2015. Collection method: clinical testing. Allele origin: germline.

NM_000051.4(ATM):c.5561C>T (p.Thr1854Ile)

Gene: ATM (ATM serine/threonine kinase; plus strand). Cytogenetic location: 11q22.3.
Variant type: single nucleotide variant.
Coding change: c.5561C>T on transcript NM_000051.4 (MANE Select); coding-DNA position 5561, C replaced by T.
Protein change: p.Thr1854Ile; replaces threonine 1854 with isoleucine.
Molecular consequence: missense variant.
Genome position (GRCh38, 1-based): chr11:108,304,739, C>T. VCF-style: chr11-108304739-C-T. GRCh37 (hg19) VCF-style: chr11-108175466-C-T.
Other names: c.5561C>T, p.Thr1854Ile (NM_001351834.2); short protein forms T1854I.
Identifiers: ClinVar variation 630084 (VCV000630084.6), dbSNP rs138710254, ClinGen allele CA382546035.
Genomic context (GRCh38, chr11:108,304,739, plus strand): 5'-AAACTGACTTTTGTCAGACTGTACTTCCATACTTGATTCATGATATTTTACTCCAAGATA[C>T]AAATGAATCATGGAGAAATCTGCTTTCTACACATGTTCAGGGATTTTTCACCAGCTGTCT-3'
Protein context (NP_000042.3, residues 1844-1864): YLIHDILLQD[Thr1854Ile]NESWRNLLST